The following is an entry in ClinVar:

NM_000051.4(ATM):c.2567A>G (p.Asn856Ser)

Gene: ATM (ATM serine/threonine kinase; plus strand). Cytogenetic location: 11q22.3.
Variant type: single nucleotide variant.
Coding change: c.2567A>G on transcript NM_000051.4 (MANE Select); coding-DNA position 2567, A replaced by G.
Protein change: p.Asn856Ser; replaces asparagine 856 with serine.
Molecular consequence: missense variant.
Genome position (GRCh38, 1-based): chr11:108,267,271, A>G. VCF-style: chr11-108267271-A-G. GRCh37 (hg19) VCF-style: chr11-108137998-A-G.
Other names: c.2567A>G, p.Asn856Ser (NM_001351834.2); short protein forms N856S.
Identifiers: ClinVar variation 490476 (VCV000490476.21), dbSNP rs1555082253, ClinGen allele CA382543835.

ClinVar aggregate classification (germline): Conflicting classifications of pathogenicity. Review status: criteria provided, conflicting classifications (1 of 4 stars). 4 submissions from 4 submitters: Uncertain significance (2); Likely benign (1). 1 of the submissions does not count toward it. Last evaluated 2025-05-25.

Conditions:
Hereditary cancer-predisposing syndrome. Also called: Tumor predisposition; Neoplastic Syndromes, Hereditary; Hereditary Cancer Syndrome; Hereditary neoplastic syndrome. Identifiers: Orphanet 140162, MedGen C0027672, MeSH D009386, MONDO:0015356.
Ataxia-telangiectasia syndrome (AT). Also called: Ataxia-telangiectasia; Ataxia-telangiectasia, complementation group D; AT, COMPLEMENTATION GROUP C; LOUIS-BAR SYNDROME; Cerebello-oculocutaneous telangiectasia; Immunodeficiency with ataxia telangiectasia. Identifiers: Orphanet 100, MedGen C0004135, MONDO:0008840, OMIM 208900.

Allele frequency attached by ClinVar (database versions not stated): gnomAD exomes below 0.00001.

Submissions (4):

Labcorp Genetics (formerly Invitae), Labcorp
Classification: Uncertain significance for Ataxia-telangiectasia syndrome. Last evaluated: 2025-05-25. Review status: criteria provided, single submitter. Criteria: Invitae Variant Classification Sherloc (09022015). Collection method: clinical testing. Allele origin: germline.
Comment: This sequence change replaces asparagine, which is neutral and polar, with serine, which is neutral and polar, at codon 856 of the ATM protein (p.Asn856Ser). This variant is not present in population databases (gnomAD no frequency). This variant has not been reported in the literature in individuals affected with ATM-related conditions. ClinVar contains an entry for this variant (Variation ID: 490476). Invitae Evidence Modeling of protein sequence and biophysical properties (such as structural, functional, and spatial information, amino acid conservation, physicochemical variation, residue mobility, and thermodynamic stability) indicates that this missense variant is not expected to disrupt ATM protein function with a negative predictive value of 95%. In summary, the available evidence is currently insufficient to determine the role of this variant in disease. Therefore, it has been classified as a Variant of Uncertain Significance.

Color Diagnostics, LLC DBA Color Health
Classification: Uncertain significance for Hereditary cancer-predisposing syndrome. Last evaluated: 2023-12-05. Review status: criteria provided, single submitter. Criteria: ACMG Guidelines, 2015. Collection method: clinical testing. Allele origin: germline.
Comment: This missense variant replaces asparagine with serine at codon 856 of the ATM protein. Computational prediction suggests that this variant may not impact protein structure and function (internally defined REVEL score threshold <= 0.5, PMID: 27666373). To our knowledge, functional studies have not been reported for this variant. This variant has not been reported in individuals affected with ATM-related disorders in the literature. This variant has not been identified in the general population by the Genome Aggregation Database (gnomAD). The available evidence is insufficient to determine the role of this variant in disease conclusively. Therefore, this variant is classified as a Variant of Uncertain Significance.

Ambry Genetics
Classification: Likely benign for Hereditary cancer-predisposing syndrome. Last evaluated: 2019-02-19. Review status: criteria provided, single submitter. Criteria: Ambry Variant Classification Scheme 2023. Collection method: clinical testing. Allele origin: germline.

Natera, Inc.
Classification: Uncertain significance for Ataxia-telangiectasia. Last evaluated: 2025-02-18. Review status: no assertion criteria provided. Collection method: clinical testing. Allele origin: germline. Not counted in ClinVar's aggregate classification.